The following is an entry in ClinVar:

NM_016042.4(EXOSC3):c.572G>T (p.Gly191Val)

Gene: EXOSC3 (exosome component 3; minus strand). Cytogenetic location: 9p13.2.
Variant type: single nucleotide variant.
Coding change: c.572G>T on transcript NM_016042.4 (MANE Select); coding-DNA position 572, G replaced by T.
Protein change: p.Gly191Val; replaces glycine 191 with valine.
Molecular consequence: missense variant. On other transcripts: intron variant (1).
Genome position (GRCh38, 1-based): chr9:37,782,040, C>A on the plus strand (G>T on the coding strand, the complement: EXOSC3 is on the minus strand). VCF-style: chr9-37782040-C-A. GRCh37 (hg19) VCF-style: chr9-37782037-C-A.
Other names: c.475-1160G>T (NM_001002269.2); short protein forms G191V.
Identifiers: ClinVar variation 4535898 (VCV004535898.1).

ClinVar aggregate classification (germline): Uncertain significance (1 of 4 stars; one submission).

Submission:

Women's Health and Genetics/Laboratory Corporation of America, LabCorp
Classification: Uncertain significance. Last evaluated: 2025-09-02. Review status: criteria provided, single submitter. Criteria: LabCorp Variant Classification Summary - May 2015. Collection method: clinical testing. Allele origin: germline.
Comment: Variant summary: EXOSC3 c.572G>T (p.Gly191Val) results in a non-conservative amino acid change in the encoded protein sequence. Algorithms developed to predict the effect of missense changes on protein structure and function are either unavailable or do not agree on the potential impact of this missense change. The variant was absent in 251422 control chromosomes. The available data on variant occurrences in the general population are insufficient to allow any conclusion about variant significance. To our knowledge, no occurrence of c.572G>T in individuals affected with EXOSC3-related conditions and no experimental evidence demonstrating its impact on protein function have been reported. No submitters have cited clinical-significance assessments for this variant to ClinVar. Based on the evidence outlined above, the variant was classified as uncertain significance.